The following is an entry in ClinVar:

NM_004738.5(VAPB):c.*2592G>A

Gene: VAPB (VAMP associated protein B and C; plus strand). Cytogenetic location: 20q13.32.
Variant type: single nucleotide variant.
Coding change: c.*2592G>A on transcript NM_004738.5 (MANE Select); 2592 bases downstream of the stop codon, G replaced by A.
Molecular consequence: 3 prime UTR variant. On other transcripts: non-coding transcript variant (1).
Genome position (GRCh38, 1-based): chr20:58,446,827, G>A. VCF-style: chr20-58446827-G-A. GRCh37 (hg19) VCF-style: chr20-57021883-G-A.
Other names: c.*2662G>A (NM_001195677.2).
Identifiers: ClinVar variation 898059 (VCV000898059.5), dbSNP rs143902869, ClinGen allele CA316280543.

ClinVar aggregate classification (germline): Benign/Likely benign. Review status: criteria provided, single submitter (1 of 4 stars). 2 submissions from 1 submitter: Benign (1); Likely benign (1). Last evaluated 2018-01-13.

Conditions:
Adult-onset proximal spinal muscular atrophy, autosomal dominant. Also called: FINKEL LATE-ADULT TYPE SMA; Spinal muscular atrophy, late-onset, finkel type. Identifiers: Orphanet 209335, MedGen C1854058, MONDO:0008453, OMIM 182980.
Amyotrophic lateral sclerosis type 8 (ALS8). Identifiers: Orphanet 803, MedGen C1837728, MONDO:0012077, OMIM 608627.

Allele frequency attached by ClinVar (database versions not stated): gnomAD exomes 0.00023; TOPMed 0.00110; 1000 Genomes Project 30x 0.00187; 1000 Genomes Project 0.00200.
gnomAD v4.1: 254 of 454,084 alleles (0.056%); highest among the groups gnomAD compares: African/African-American, 0.43%; no homozygotes.

Submissions (2):

Illumina Laboratory Services, Illumina
Classification: Benign for Amyotrophic lateral sclerosis type 8. Last evaluated: 2018-01-13. Review status: criteria provided, single submitter. Criteria: ICSL Variant Classification Criteria 13 December 2019. Collection method: clinical testing. Allele origin: germline.
Comment: This variant was observed in the ICSL laboratory as part of a predisposition screen in an ostensibly healthy population. It had not been previously curated by ICSL or reported in the Human Gene Mutation Database (HGMD: prior to June 1st, 2018), and was therefore a candidate for classification through an automated scoring system. Utilizing variant allele frequency, disease prevalence and penetrance estimates, and inheritance mode, an automated score was calculated to assess if this variant is too frequent to cause the disease. Based on the score and internal cut-off values, a variant classified as benign is not then subjected to further curation. The score for this variant resulted in a classification of benign for this disease.

Illumina Laboratory Services, Illumina
Classification: Likely benign for Adult-onset proximal spinal muscular atrophy, autosomal dominant. Last evaluated: 2018-01-13. Review status: criteria provided, single submitter. Criteria: ICSL Variant Classification Criteria 13 December 2019. Collection method: clinical testing. Allele origin: germline.
Comment: This variant was observed in the ICSL laboratory as part of a predisposition screen in an ostensibly healthy population. It had not been previously curated by ICSL or reported in the Human Gene Mutation Database (HGMD: prior to June 1st, 2018), and was therefore a candidate for classification through an automated scoring system. Utilizing variant allele frequency, disease prevalence and penetrance estimates, and inheritance mode, an automated score was calculated to assess if this variant is too frequent to cause the disease. Based on the score and internal cut-off values, a variant classified as likely benign is not then subjected to further curation. The score for this variant resulted in a classification of likely benign for this disease.